The following is an entry in ClinVar:

ClinVar aggregate classification (germline): Conflicting classifications of pathogenicity. Review status: criteria provided, conflicting classifications (1 of 4 stars). 3 submissions from 3 submitters: Uncertain significance (2); Likely benign (1). Last evaluated 2025-10-21.

Conditions:
Breast-ovarian cancer, familial, susceptibility to, 4. Identifiers: Orphanet 145, MedGen C3280345, MONDO:0013669, OMIM 614291.
Hereditary cancer-predisposing syndrome. Also called: Tumor predisposition; Hereditary neoplastic syndrome; Neoplastic Syndromes, Hereditary; Hereditary Cancer Syndrome. Identifiers: Orphanet 140162, MedGen C0027672, MeSH D009386, MONDO:0015356.

Allele frequency attached by ClinVar (database versions not stated): gnomAD exomes below 0.00001.

Submissions (3):

Labcorp Genetics (formerly Invitae), Labcorp
Classification: Uncertain significance for Breast-ovarian cancer, familial, susceptibility to, 4. Last evaluated: 2025-10-21. Review status: criteria provided, single submitter. Criteria: Invitae Variant Classification Sherloc (09022015). Collection method: clinical testing. Allele origin: germline.
Comment: This sequence change replaces methionine, which is neutral and non-polar, with threonine, which is neutral and polar, at codon 16 of the RAD51D protein (p.Met16Thr). This variant is not present in population databases (gnomAD no frequency). This missense change has been observed in individual(s) with breast or unspecified cancer (PMID: 23372765, 29778231). ClinVar contains an entry for this variant (Variation ID: 208767). An algorithm developed to predict the effect of missense changes on protein structure and function outputs the following: PolyPhen-2: "Benign". The threonine amino acid residue is found in multiple mammalian species, which suggests that this missense change does not adversely affect protein function. Experimental studies have shown that this missense change does not substantially affect RAD51D function (PMID: 28646019). In summary, the available evidence is currently insufficient to determine the role of this variant in disease. Therefore, it has been classified as a Variant of Uncertain Significance.

Ambry Genetics
Classification: Likely benign for Hereditary cancer-predisposing syndrome. Last evaluated: 2024-08-14. Review status: criteria provided, single submitter. Criteria: Ambry Variant Classification Scheme 2023. Collection method: clinical testing. Allele origin: germline.

Baylor Genetics
Classification: Uncertain significance for Breast-ovarian cancer, familial, susceptibility to, 4. Last evaluated: 2023-07-20. Review status: criteria provided, single submitter. Criteria: ACMG Guidelines, 2015. Collection method: clinical testing. Allele origin: unknown.

Literature cited by the submitters: PubMed 23372765 (cited by Labcorp Genetics (formerly Invitae), Labcorp and Ambry Genetics); PubMed 29778231 (cited by Labcorp Genetics (formerly Invitae), Labcorp); PubMed 28646019 (cited by Labcorp Genetics (formerly Invitae), Labcorp).

NM_002878.4(RAD51D):c.47T>C (p.Met16Thr)

Genes: RAD51D (RAD51 paralog D; minus strand), RAD51L3-RFFL (RAD51L3-RFFL readthrough; minus strand). Cytogenetic location: 17q12.
Variant type: single nucleotide variant.
Coding change: c.47T>C on transcript NM_002878.4 (MANE Select); coding-DNA position 47, T replaced by C.
Protein change: p.Met16Thr; replaces methionine 16 with threonine.
Molecular consequence: missense variant. On other transcripts: non-coding transcript variant (2).
Genome position (GRCh38, 1-based): chr17:35,119,567, A>G on the plus strand (T>C on the coding strand, the complement: RAD51D is on the minus strand). VCF-style: chr17-35119567-A-G. GRCh37 (hg19) VCF-style: chr17-33446586-A-G.
Other names: c.47T>C, p.Met16Thr (NM_001142571.2, NM_133629.3); short protein forms M16T.
Identifiers: ClinVar variation 208767 (VCV000208767.17), dbSNP rs797044943, ClinGen allele CA204858.
Genomic context (GRCh38, chr17:35,119,567, plus strand): 5'-CCCTGGCACGCGCACACCCGGTCACCTGTCTTGATCCTGTGGCTCCTGAGAAGCTGGATC[A>G]TCTCCTCGGTAAGGCCAGGGCACAGTCCGACCCTGAGCACGCCCATGTTCCCCGCAGGCC-3'
Protein context (NP_002869.3, residues 6-26): VGLCPGLTEE[Met16Thr]IQLLRSHRIK